The following is an entry in ClinVar:

NM_012470.4(TNPO3):c.1607A>C (p.Gln536Pro)

Gene: TNPO3 (transportin 3; minus strand). Cytogenetic location: 7q32.1.
Variant type: single nucleotide variant.
Coding change: c.1607A>C on transcript NM_012470.4 (MANE Select); coding-DNA position 1607, A replaced by C.
Protein change: p.Gln536Pro; replaces glutamine 536 with proline.
Molecular consequence: missense variant. On other transcripts: non-coding transcript variant (18), intron variant (2).
Genome position (GRCh38, 1-based): chr7:128,986,812, T>G on the plus strand (A>C on the coding strand, the complement: TNPO3 is on the minus strand). VCF-style: chr7-128986812-T-G. GRCh37 (hg19) VCF-style: chr7-128626866-T-G.
Other names: c.1709A>C, p.Gln570Pro (NM_001382216.1); c.1688A>C, p.Gln563Pro (NM_001382217.1); c.1607A>C, p.Gln536Pro (NM_001382218.1, NM_001382220.1); c.1499A>C, p.Gln500Pro (NM_001382219.1); c.1463A>C, p.Gln488Pro (NM_001382221.1); c.1460A>C, p.Gln487Pro (NM_001382222.1); c.1499-2553A>C (NM_001382223.1, NM_001191028.3); short protein forms Q536P, Q487P, Q488P, Q500P, Q563P, Q570P.
Identifiers: ClinVar variation 288653 (VCV000288653.8), dbSNP rs886043969, ClinGen allele CA10606173.

ClinVar aggregate classification (germline): Uncertain significance. Review status: criteria provided, multiple submitters, no conflicts (2 of 4 stars). 2 submissions from 2 submitters: Uncertain significance (2). Last evaluated 2023-10-04.

Conditions:
Autosomal dominant limb-girdle muscular dystrophy type 1F (LGMDD2). Also called: Limb-girdle muscular dystrophy, type 1F; MUSCULAR DYSTROPHY, LIMB-GIRDLE, AUTOSOMAL DOMINANT 2. Identifiers: Orphanet 55595, MedGen C1842062, MONDO:0012034, OMIM 608423.

Allele frequency attached by ClinVar (database versions not stated): gnomAD exomes below 0.00001; TOPMed below 0.00001.
gnomAD v4.1: 2 of 1,614,178 alleles (0.00012%); highest among the groups gnomAD compares: Non-Finnish European, 0.00017%; no homozygotes.

Submissions (2):

Labcorp Genetics (formerly Invitae), Labcorp
Classification: Uncertain significance for Autosomal dominant limb-girdle muscular dystrophy type 1F. Last evaluated: 2023-10-04. Review status: criteria provided, single submitter. Criteria: Invitae Variant Classification Sherloc (09022015). Collection method: clinical testing. Allele origin: germline.
Comment: This sequence change replaces glutamine, which is neutral and polar, with proline, which is neutral and non-polar, at codon 536 of the TNPO3 protein (p.Gln536Pro). This variant is not present in population databases (gnomAD no frequency). This variant has not been reported in the literature in individuals affected with TNPO3-related conditions. ClinVar contains an entry for this variant (Variation ID: 288653). Advanced modeling of protein sequence and biophysical properties (such as structural, functional, and spatial information, amino acid conservation, physicochemical variation, residue mobility, and thermodynamic stability) performed at Invitae indicates that this missense variant is not expected to disrupt TNPO3 protein function. In summary, the available evidence is currently insufficient to determine the role of this variant in disease. Therefore, it has been classified as a Variant of Uncertain Significance.

Eurofins Ntd Llc (ga)
Classification: Uncertain significance. Last evaluated: 2016-06-09. Review status: criteria provided, single submitter. Criteria: EGL Classification Definitions 2015. Collection method: clinical testing. Allele origin: germline. Observed: 1 variant allele, 1 heterozygote.